The following is an entry in ClinVar:

ClinVar aggregate classification (germline): Conflicting classifications of pathogenicity. Review status: criteria provided, conflicting classifications (1 of 4 stars). 8 submissions from 8 submitters: Uncertain significance (1); Likely benign (6). 1 of the submissions does not count toward it. Last evaluated 2025-09-01.

Conditions:
Inborn genetic diseases. Identifiers: MedGen C0950123, MeSH D030342.
Neuronal ceroid lipofuscinosis. Also called: Neuronal Ceroid Lipofuscinoses. Identifiers: Orphanet 216, Orphanet 79263, MedGen C0027877, MONDO:0016295. Disease mechanism: loss of function.
Neuronal ceroid lipofuscinosis 8 (CLN8). Also called: CLN8-Related Neuronal Ceroid-Lipofuscinosis. Identifiers: Orphanet 168491, Orphanet 228354, Orphanet 79264, MedGen C1838570, MONDO:0010830, OMIM 600143.

Allele frequency attached by ClinVar (database versions not stated): TOPMed 0.00009; gnomAD 0.00013 and 0.00014; ExAC 0.00014; gnomAD exomes 0.00017 and 0.00021; 1000 Genomes Project 0.00020; ESP Exome Variant Server 0.00023; 1000 Genomes Project 30x 0.00031.
gnomAD v4.1: 317 of 1,613,806 alleles (0.02%); highest among the groups gnomAD compares: East Asian, 0.033%; no homozygotes.

Submissions (8):

Labcorp Genetics (formerly Invitae), Labcorp
Classification: Likely benign for Neuronal ceroid lipofuscinosis. Last evaluated: 2025-09-01. Review status: criteria provided, single submitter. Criteria: Invitae Variant Classification Sherloc (09022015). Collection method: clinical testing. Allele origin: germline.

CeGaT Center for Human Genetics Tuebingen
Classification: Likely benign. Last evaluated: 2025-05-01. Review status: criteria provided, single submitter. Criteria: CeGaT Center For Human Genetics Tuebingen Variant Classification Criteria Version 2. Collection method: clinical testing. Allele origin: germline. Affected: yes. Observed: 2 variant alleles.
Comment: CLN8: BP4, BP7

Blueprint Genetics
Classification: Likely benign. Last evaluated: 2024-06-07. Review status: criteria provided, single submitter. Criteria: ACMG Guidelines, 2015. Collection method: clinical testing. Allele origin: germline.

Ambry Genetics
Classification: Likely benign for Inborn genetic diseases. Last evaluated: 2017-07-05. Review status: criteria provided, single submitter. Criteria: Ambry Variant Classification Scheme 2023. Collection method: clinical testing. Allele origin: germline.

GeneDx
Classification: Likely benign. Last evaluated: 2017-05-08. Review status: criteria provided, single submitter. Criteria: GeneDx Variant Classification (06012015). Collection method: clinical testing. Allele origin: germline. Affected: yes.
Comment: This variant is considered likely benign or benign based on one or more of the following criteria: it is a conservative change, it occurs at a poorly conserved position in the protein, it is predicted to be benign by multiple in silico algorithms, and/or has population frequency not consistent with disease.

Eurofins Ntd Llc (ga)
Classification: Uncertain significance. Last evaluated: 2016-07-01. Review status: criteria provided, single submitter. Criteria: EGL Classification Definitions 2015. Collection method: clinical testing. Allele origin: germline. Observed: 1 variant allele, 1 heterozygote.

PreventionGenetics, part of Exact Sciences
Classification: Likely benign. Review status: criteria provided, single submitter. Criteria: ACMG Guidelines, 2015. Collection method: clinical testing. Allele origin: germline.

Natera, Inc.
Classification: Likely benign for Neuronal ceroid lipofuscinosis 8. Last evaluated: 2020-03-21. Review status: no assertion criteria provided. Collection method: clinical testing. Allele origin: germline. Not counted in ClinVar's aggregate classification.

NM_018941.4(CLN8):c.207G>A (p.Thr69=)

Gene: CLN8 (CLN8 transmembrane ER and ERGIC protein; plus strand). Cytogenetic location: 8p23.3.
Variant type: single nucleotide variant.
Coding change: c.207G>A on transcript NM_018941.4 (MANE Select); coding-DNA position 207, G replaced by A.
Protein change: p.Thr69=; no amino-acid change (threonine 69 retained).
Molecular consequence: synonymous variant.
Genome position (GRCh38, 1-based): chr8:1,771,261, G>A. VCF-style: chr8-1771261-G-A. GRCh37 (hg19) VCF-style: chr8-1719427-G-A.
Identifiers: ClinVar variation 261062 (VCV000261062.43), dbSNP rs368365607, ClinGen allele CA4599226.